The following is an entry in ClinVar:

NM_006231.4(POLE):c.5035C>T (p.Arg1679Cys)

Gene: POLE (DNA polymerase epsilon, catalytic subunit; minus strand). Cytogenetic location: 12q24.33.
Variant type: single nucleotide variant.
Coding change: c.5035C>T on transcript NM_006231.4 (MANE Select); coding-DNA position 5035, C replaced by T.
Protein change: p.Arg1679Cys; replaces arginine 1679 with cysteine.
Molecular consequence: missense variant.
Genome position (GRCh38, 1-based): chr12:132,642,315, G>A on the plus strand (C>T on the coding strand, the complement: POLE is on the minus strand). VCF-style: chr12-132642315-G-A. GRCh37 (hg19) VCF-style: chr12-133218901-G-A.
Other names: short protein forms R1679C.
Identifiers: ClinVar variation 405795 (VCV000405795.26), dbSNP rs768244569, ClinGen allele CA6892638.
Genomic context (GRCh38, chr12:132,642,315, plus strand): 5'-CCTCCTTTCCACCCAGGTCAGGGCGGGCTGTAGGGGACAGCCAGAGCAGGTGGTTGTGGC[G>A]CTGGAGGTGGCGGGCAAAGAAGAGGTCGGAGCCGAATGTGGAGATGTCCTCTGGTAGGTT-3'
Protein context (NP_006222.2, residues 1669-1689): SDLFFARHLQ[Arg1679Cys]HNHLLWLSPT

ClinVar aggregate classification (germline): Uncertain significance. Review status: criteria provided, multiple submitters, no conflicts (2 of 4 stars). 5 submissions from 5 submitters: Uncertain significance (5). Last evaluated 2025-12-29.

Conditions:
Facial dysmorphism-immunodeficiency-livedo-short stature syndrome. Also called: Facial dysmorphism, immunodeficiency, livedo, and short stature; FILS syndrome. Identifiers: Orphanet 352712, MedGen C3554576, MONDO:0014058, OMIM 615139.
Colorectal cancer, susceptibility to, 12 (CRCS12). Also called: COLORECTAL CANCER, SUSCEPTIBILITY TO, ON CHROMOSOME 12q24. Identifiers: Orphanet 220460, MedGen C3554460, MONDO:0014038, OMIM 615083.
Hereditary cancer-predisposing syndrome. Also called: Hereditary Cancer Syndrome; Hereditary neoplastic syndrome; Neoplastic Syndromes, Hereditary; Tumor predisposition. Identifiers: Orphanet 140162, MedGen C0027672, MeSH D009386, MONDO:0015356.

Allele frequency attached by ClinVar (database versions not stated): gnomAD 0.00001; gnomAD exomes 0.00001 and 0.00002; TOPMed 0.00002; ExAC 0.00003.
gnomAD v4.1: 21 of 1,599,284 alleles (0.0013%); highest among the groups gnomAD compares: East Asian, 0.0067%; no homozygotes.

Submissions (5):

Center for Genomic Medicine, Rigshospitalet, Copenhagen University Hospital
Classification: Uncertain significance. Last evaluated: 2025-12-29. Review status: criteria provided, single submitter. Criteria: ACMG Guidelines, 2015. Collection method: clinical testing. Allele origin: germline.

Labcorp Genetics (formerly Invitae), Labcorp
Classification: Uncertain significance. Last evaluated: 2025-12-15. Review status: criteria provided, single submitter. Criteria: Invitae Variant Classification Sherloc (09022015). Collection method: clinical testing. Allele origin: germline.
Comment: This sequence change replaces arginine, which is basic and polar, with cysteine, which is neutral and slightly polar, at codon 1679 of the POLE protein (p.Arg1679Cys). This variant is present in population databases (rs768244569, gnomAD 0.02%). This variant has not been reported in the literature in individuals affected with POLE-related conditions. ClinVar contains an entry for this variant (Variation ID: 405795). Invitae Evidence Modeling of protein sequence and biophysical properties (such as structural, functional, and spatial information, amino acid conservation, physicochemical variation, residue mobility, and thermodynamic stability) indicates that this missense variant is not expected to disrupt POLE protein function with a negative predictive value of 80%. In summary, the available evidence is currently insufficient to determine the role of this variant in disease. Therefore, it has been classified as a Variant of Uncertain Significance.

Ambry Genetics
Classification: Uncertain significance for Hereditary cancer-predisposing syndrome. Last evaluated: 2025-01-29. Review status: criteria provided, single submitter. Criteria: Ambry Variant Classification Scheme 2023. Collection method: clinical testing. Allele origin: germline.
Comment: The p.R1679C variant (also known as c.5035C>T), located in coding exon 38 of the POLE gene, results from a C to T substitution at nucleotide position 5035. The arginine at codon 1679 is replaced by cysteine, an amino acid with highly dissimilar properties. This amino acid position is conserved. In addition, this alteration is predicted to be tolerated by in silico analysis. Based on the available evidence, the clinical significance of this variant remains unclear.

GeneDx
Classification: Uncertain significance. Last evaluated: 2023-11-03. Review status: criteria provided, single submitter. Criteria: GeneDx Variant Classification Process June 2021. Collection method: clinical testing. Allele origin: germline. Affected: yes.
Comment: In silico analysis supports that this missense variant has a deleterious effect on protein structure/function; Has not been previously published as pathogenic or benign to our knowledge; This variant is associated with the following publications: (PMID: 29056344)

Fulgent Genetics
Classification: Uncertain significance for Colorectal cancer, susceptibility to, 12; Facial dysmorphism-immunodeficiency-livedo-short stature syndrome. Last evaluated: 2018-10-31. Review status: criteria provided, single submitter. Criteria: ACMG Guidelines, 2015. Collection method: clinical testing. Allele origin: unknown.